The following is an entry in ClinVar:

NM_001277115.2(DNAH11):c.10978G>C (p.Ala3660Pro)

Gene: DNAH11 (dynein axonemal heavy chain 11; plus strand). Cytogenetic location: 7p15.3.
Variant type: single nucleotide variant.
Coding change: c.10978G>C on transcript NM_001277115.2 (MANE Select); coding-DNA position 10978, G replaced by C.
Protein change: p.Ala3660Pro; replaces alanine 3660 with proline.
Molecular consequence: missense variant.
Genome position (GRCh38, 1-based): chr7:21,852,548, G>C. VCF-style: chr7-21852548-G-C. GRCh37 (hg19) VCF-style: chr7-21892166-G-C.
Other names: short protein forms A3660P.
Identifiers: ClinVar variation 1363224 (VCV001363224.9), dbSNP rs200057913, ClinGen allele CA4182567.
Genomic context (GRCh38, chr7:21,852,548, plus strand): 5'-AATGATTTTAAAATTGAGCTCAAGTATCTGGAAGACGATCTCCTTTTGCGCCTTTCTGCG[G>C]CAGAGGGAAGCTTTCTGGATGACACCAAACTGGTAGAGAGATTGGAGGCAACAAAGACCA-3'
Protein context (NP_001264044.1, residues 3650-3670): EDDLLLRLSA[Ala3660Pro]EGSFLDDTKL

ClinVar aggregate classification (germline): Conflicting classifications of pathogenicity. Review status: criteria provided, conflicting classifications (1 of 4 stars). 3 submissions from 3 submitters: Uncertain significance (2); Benign (1). Last evaluated 2025-10-12.

Conditions:
Primary ciliary dyskinesia. Also called: Ciliary dyskinesia. Identifiers: Orphanet 244, MedGen C0008780, MONDO:0016575, HP:0012265.

Allele frequency attached by ClinVar (database versions not stated): gnomAD 0.00005; gnomAD exomes 0.00006; TOPMed 0.00006; ExAC 0.00009.

Submissions (3):

Labcorp Genetics (formerly Invitae), Labcorp
Classification: Benign for Primary ciliary dyskinesia. Last evaluated: 2025-10-12. Review status: criteria provided, single submitter. Criteria: Invitae Variant Classification Sherloc (09022015). Collection method: clinical testing. Allele origin: germline.

Blueprint Genetics
Classification: Uncertain significance. Last evaluated: 2023-02-23. Review status: criteria provided, single submitter. Criteria: ACMG Guidelines, 2015. Collection method: clinical testing. Allele origin: germline.

Ambry Genetics
Classification: Uncertain significance for Primary ciliary dyskinesia. Last evaluated: 2021-09-15. Review status: criteria provided, single submitter. Criteria: Ambry Variant Classification Scheme 2023. Collection method: clinical testing. Allele origin: germline.
Comment: The p.A3660P variant (also known as c.10978G>C), located in coding exon 67 of the DNAH11 gene, results from a G to C substitution at nucleotide position 10978. The alanine at codon 3660 is replaced by proline, an amino acid with highly similar properties. This amino acid position is highly conserved in available vertebrate species. In addition, the in silico prediction for this alteration is inconclusive. Since supporting evidence is limited at this time, the clinical significance of this alteration remains unclear.